The following is an entry in ClinVar:

ClinVar aggregate classification (germline): Uncertain significance (1 of 4 stars; one submission).

Allele frequency attached by ClinVar (database versions not stated): gnomAD exomes below 0.00001 and 0.00001; ExAC 0.00003.
gnomAD v4.1: 5 of 1,613,058 alleles (0.00031%); highest among the groups gnomAD compares: East Asian, 0.011%; no homozygotes.

Submission:

Labcorp Genetics (formerly Invitae), Labcorp
Classification: Uncertain significance. Last evaluated: 2023-10-03. Review status: criteria provided, single submitter. Criteria: Invitae Variant Classification Sherloc (09022015). Collection method: clinical testing. Allele origin: germline.
Comment: This sequence change replaces leucine, which is neutral and non-polar, with proline, which is neutral and non-polar, at codon 654 of the COL9A2 protein (p.Leu654Pro). This variant is present in population databases (rs754673796, gnomAD 0.02%). This variant has not been reported in the literature in individuals affected with COL9A2-related conditions. ClinVar contains an entry for this variant (Variation ID: 1417681). Advanced modeling of protein sequence and biophysical properties (such as structural, functional, and spatial information, amino acid conservation, physicochemical variation, residue mobility, and thermodynamic stability) performed at Invitae indicates that this missense variant is not expected to disrupt COL9A2 protein function. In summary, the available evidence is currently insufficient to determine the role of this variant in disease. Therefore, it has been classified as a Variant of Uncertain Significance.

NM_001852.4(COL9A2):c.1961T>C (p.Leu654Pro)

Gene: COL9A2 (collagen type IX alpha 2 chain; minus strand). Cytogenetic location: 1p34.2.
Variant type: single nucleotide variant.
Coding change: c.1961T>C on transcript NM_001852.4 (MANE Select); coding-DNA position 1961, T replaced by C.
Protein change: p.Leu654Pro; replaces leucine 654 with proline.
Molecular consequence: missense variant.
Genome position (GRCh38, 1-based): chr1:40,301,291, A>G on the plus strand (T>C on the coding strand, the complement: COL9A2 is on the minus strand). VCF-style: chr1-40301291-A-G. GRCh37 (hg19) VCF-style: chr1-40766963-A-G.
Other names: short protein forms L654P.
Identifiers: ClinVar variation 1417681 (VCV001417681.6), dbSNP rs754673796, ClinGen allele CA791269.